The following is an entry in ClinVar:

ClinVar aggregate classification (germline): Uncertain significance (1 of 4 stars; one submission).

Conditions:
Cardiovascular phenotype. Identifiers: MedGen CN230736.

Submission:

Ambry Genetics
Classification: Uncertain significance for Cardiovascular phenotype. Last evaluated: 2025-01-28. Review status: criteria provided, single submitter. Criteria: Ambry Variant Classification Scheme 2023. Collection method: clinical testing. Allele origin: germline.
Comment: The p.G276V variant (also known as c.827G>T), located in coding exon 2 of the TNXB gene, results from a G to T substitution at nucleotide position 827. The glycine at codon 276 is replaced by valine, an amino acid with dissimilar properties. This amino acid position is conserved. In addition, this alteration is predicted to be tolerated by in silico analysis. Based on the available evidence, the clinical significance of this variant remains unclear.

NM_001365276.2(TNXB):c.827G>T (p.Gly276Val)

Gene: TNXB (tenascin XB; minus strand). Cytogenetic location: 6p21.33.
Variant type: single nucleotide variant.
Coding change: c.827G>T on transcript NM_001365276.2 (MANE Select); coding-DNA position 827, G replaced by T.
Protein change: p.Gly276Val; replaces glycine 276 with valine.
Molecular consequence: missense variant.
Genome position (GRCh38, 1-based): chr6:32,097,026, C>A on the plus strand (G>T on the coding strand, the complement: TNXB is on the minus strand). VCF-style: chr6-32097026-C-A. GRCh37 (hg19) VCF-style: chr6-32064803-C-A.
Other names: c.827G>T, p.Gly276Val (NM_001428335.1, NM_019105.8); short protein forms G276V.
Identifiers: ClinVar variation 3809343 (VCV003809343.1).